The following is an entry in ClinVar:

NM_003904.5(ZPR1):c.420A>T (p.Lys140Asn)

Gene: ZPR1 (ZPR1 zinc finger; minus strand). Cytogenetic location: 11q23.3.
Variant type: single nucleotide variant.
Coding change: c.420A>T on transcript NM_003904.5 (MANE Select); coding-DNA position 420, A replaced by T.
Protein change: p.Lys140Asn; replaces lysine 140 with asparagine.
Molecular consequence: missense variant.
Genome position (GRCh38, 1-based): chr11:116,786,973, T>A on the plus strand (A>T on the coding strand, the complement: ZPR1 is on the minus strand). VCF-style: chr11-116786973-T-A. GRCh37 (hg19) VCF-style: chr11-116657689-T-A.
Other names: c.258A>T, p.Lys86Asn (NM_001317086.2); short protein forms K140N, K86N.
Identifiers: ClinVar variation 4885637 (VCV004885637.2).

ClinVar aggregate classification (germline): Uncertain significance (1 of 4 stars; one submission).

gnomAD v4.1: 2 of 1,614,002 alleles (0.00012%); highest among the groups gnomAD compares: Admixed American, 0.0017%; no homozygotes.

Submission:

Dasa
Classification: Uncertain significance. Last evaluated: 2026-04-28. Review status: criteria provided, single submitter. Criteria: DASA Assertion Criteria. Collection method: clinical testing. Allele origin: germline.
Comment: NM_003904.5(ZPR1):c.420A>T (p.Lys140Asn) is a missense variant that results in the substitution of lysine with asparagine. This variant is rare in population databases. The currently available literature and clinical evidence are not sufficient to establish a definitive association between this variant and the reported condition. Therefore, this variant is classified as a variant of uncertain significance.